The following is an entry in ClinVar:

ClinVar aggregate classification (germline): Uncertain significance (1 of 4 stars; one submission).

Conditions:
Cataract 21 multiple types. Also called: Cataract, congenital, cerulean type, 4; CATARACT 21, MULTIPLE TYPES, WITH OR WITHOUT MICROCORNEA; CATARACT 21, CERULEAN, WITH OR WITHOUT MICROCORNEA; CATARACT 21, MULTIPLE TYPES, WITH MICROCORNEA. Identifiers: Orphanet 91492, MedGen C1857768, MONDO:0012437, OMIM 610202.
Ayme-Gripp syndrome. Also called: Aymé-Gripp Syndrome. Identifiers: MedGen C1832812, MONDO:0010992, OMIM 601088.

gnomAD v4.1: 2 of 1,438,010 alleles (0.00014%); highest among the groups gnomAD compares: South Asian, 0.0014%; no homozygotes.

Submission:

Labcorp Genetics (formerly Invitae), Labcorp
Classification: Uncertain significance for Cataract 21 multiple types; Ayme-Gripp syndrome. Last evaluated: 2025-03-26. Review status: criteria provided, single submitter. Criteria: Invitae Variant Classification Sherloc (09022015). Collection method: clinical testing. Allele origin: germline.
Comment: This sequence change replaces histidine, which is basic and polar, with glutamine, which is neutral and polar, at codon 247 of the MAF protein (p.His247Gln). This variant is present in population databases (rs751341494, gnomAD 0.005%). This variant has not been reported in the literature in individuals affected with MAF-related conditions. Invitae Evidence Modeling of protein sequence and biophysical properties (such as structural, functional, and spatial information, amino acid conservation, physicochemical variation, residue mobility, and thermodynamic stability) indicates that this missense variant is not expected to disrupt MAF protein function with a negative predictive value of 80%. In summary, the available evidence is currently insufficient to determine the role of this variant in disease. Therefore, it has been classified as a Variant of Uncertain Significance.

NM_005360.5(MAF):c.741C>G (p.His247Gln)

Gene: MAF (MAF bZIP transcription factor; minus strand). Cytogenetic location: 16q23.2.
Variant type: single nucleotide variant.
Coding change: c.741C>G on transcript NM_005360.5 (MANE Select); coding-DNA position 741, C replaced by G.
Protein change: p.His247Gln; replaces histidine 247 with glutamine.
Molecular consequence: missense variant.
Genome position (GRCh38, 1-based): chr16:79,599,162, G>C on the plus strand (C>G on the coding strand, the complement: MAF is on the minus strand). VCF-style: chr16-79599162-G-C. GRCh37 (hg19) VCF-style: chr16-79633059-G-C.
Other names: c.741C>G, p.His247Gln (NM_001031804.3); short protein forms H247Q.
Identifiers: ClinVar variation 4793163 (VCV004793163.1).
Genomic context (GRCh38, chr16:79,599,162, plus strand): 5'-CACCAGCTGCTCGTCGGAGAAGCGGTCGTCGAAGTGCAGGCCGCCGGCGGCGTGGTGCGG[G>C]TGCAGGGCGCCCCCCGCCCCCGCCGCGCCCCCGCCGCCTCCGCCGCCGCCGCCGCCGCCG-3'
Protein context (NP_005351.2, residues 237-257): GGAAGAGGAL[His247Gln]PHHAAGGLHF